The following is an entry in ClinVar:

ClinVar aggregate classification (germline): Uncertain significance. Review status: criteria provided, multiple submitters, no conflicts (2 of 4 stars). 5 submissions from 5 submitters: Uncertain significance (5). Last evaluated 2024-08-16.

Conditions:
Nephronophthisis 4 (NPHP4). Also called: NEPHRONOPHTHISIS 4, JUVENILE. Identifiers: Orphanet 655, MedGen C1847013, MONDO:0011752, OMIM 606966.
Senior-Loken syndrome 4 (SLSN4). Identifiers: Orphanet 3156, MedGen C1846979, MONDO:0011756, OMIM 606996.
Nephronophthisis. Also called: Juvenile Nephronophthisis. Identifiers: Orphanet 655, MedGen C0687120, MONDO:0019005, HP:0000090.
Inborn genetic diseases. Identifiers: MedGen C0950123, MeSH D030342.

Allele frequency attached by ClinVar (database versions not stated): gnomAD 0.00002; ExAC 0.00003; gnomAD exomes 0.00003; TOPMed 0.00004.
gnomAD v4.1: 57 of 1,611,874 alleles (0.0035%); highest among the groups gnomAD compares: Non-Finnish European, 0.0047%; no homozygotes.

Submissions (5):

Blueprint Genetics
Classification: Uncertain significance. Last evaluated: 2024-08-16. Review status: criteria provided, single submitter. Criteria: ACMG Guidelines, 2015. Collection method: clinical testing. Allele origin: germline.

Ambry Genetics
Classification: Uncertain significance for Inborn genetic diseases. Last evaluated: 2023-11-21. Review status: criteria provided, single submitter. Criteria: Ambry Variant Classification Scheme 2023. Collection method: clinical testing. Allele origin: germline.

GeneDx
Classification: Uncertain significance. Last evaluated: 2023-06-13. Review status: criteria provided, single submitter. Criteria: GeneDx Variant Classification Process June 2021. Collection method: clinical testing. Allele origin: germline. Affected: yes.
Comment: In silico analysis supports that this missense variant does not alter protein structure/function; Has not been previously published as pathogenic or benign to our knowledge

Labcorp Genetics (formerly Invitae), Labcorp
Classification: Uncertain significance for Nephronophthisis. Last evaluated: 2022-03-10. Review status: criteria provided, single submitter. Criteria: Invitae Variant Classification Sherloc (09022015). Collection method: clinical testing. Allele origin: germline.
Comment: This sequence change replaces valine, which is neutral and non-polar, with leucine, which is neutral and non-polar, at codon 706 of the NPHP4 protein (p.Val706Leu). This variant is present in population databases (rs755418982, gnomAD 0.005%). This variant has not been reported in the literature in individuals affected with NPHP4-related conditions. ClinVar contains an entry for this variant (Variation ID: 943475). Algorithms developed to predict the effect of missense changes on protein structure and function output the following: SIFT: "Tolerated"; PolyPhen-2: "Benign"; Align-GVGD: "Class C0". The leucine amino acid residue is found in multiple mammalian species, which suggests that this missense change does not adversely affect protein function. In summary, the available evidence is currently insufficient to determine the role of this variant in disease. Therefore, it has been classified as a Variant of Uncertain Significance.

Fulgent Genetics
Classification: Uncertain significance for Nephronophthisis 4; Senior-Loken syndrome 4. Last evaluated: 2021-12-07. Review status: criteria provided, single submitter. Criteria: ACMG Guidelines, 2015. Collection method: clinical testing. Allele origin: unknown.

NM_015102.5(NPHP4):c.2116G>T (p.Val706Leu)

Gene: NPHP4 (nephrocystin 4; minus strand). Cytogenetic location: 1p36.31.
Variant type: single nucleotide variant.
Coding change: c.2116G>T on transcript NM_015102.5 (MANE Select); coding-DNA position 2116, G replaced by T.
Protein change: p.Val706Leu; replaces valine 706 with leucine.
Molecular consequence: missense variant. On other transcripts: non-coding transcript variant (1).
Genome position (GRCh38, 1-based): chr1:5,904,644, C>A on the plus strand (G>T on the coding strand, the complement: NPHP4 is on the minus strand). VCF-style: chr1-5904644-C-A. GRCh37 (hg19) VCF-style: chr1-5964704-C-A.
Other names: c.577G>T, p.Val193Leu (NM_001291593.2); c.580G>T, p.Val194Leu (NM_001291594.2); c.2116G>T (NM_015102.3); short protein forms V194L, V706L, V193L.
Identifiers: ClinVar variation 943475 (VCV000943475.10), dbSNP rs755418982, ClinGen allele CA554269.